The following is an entry in ClinVar:

NM_177438.3(DICER1):c.3430G>A (p.Glu1144Lys)

Gene: DICER1 (dicer 1, ribonuclease III; minus strand). Cytogenetic location: 14q32.13.
Variant type: single nucleotide variant.
Coding change: c.3430G>A on transcript NM_177438.3 (MANE Select); coding-DNA position 3430, G replaced by A.
Protein change: p.Glu1144Lys; replaces glutamic acid 1144 with lysine.
Molecular consequence: missense variant. On other transcripts: non-coding transcript variant (6).
Genome position (GRCh38, 1-based): chr14:95,103,966, C>T on the plus strand (G>A on the coding strand, the complement: DICER1 is on the minus strand). VCF-style: chr14-95103966-C-T. GRCh37 (hg19) VCF-style: chr14-95570303-C-T.
Other names: c.3430G>A, p.Glu1144Lys (NM_001195573.1, NM_001271282.3, NM_001291628.2 and 13 more transcripts); c.3148G>A, p.Glu1050Lys (NM_001395686.1); c.3025G>A, p.Glu1009Lys (NM_001395687.1, NM_001395688.1, NM_001395689.1 and 2 more transcripts); c.2863G>A, p.Glu955Lys (NM_001395691.1); c.1747G>A, p.Glu583Lys (NM_001395697.1); short protein forms E583K, E1009K, E1144K, E1050K, E955K.
Identifiers: ClinVar variation 1731378 (VCV001731378.2), dbSNP rs2542714893, ClinGen allele CA390875488.

ClinVar aggregate classification (germline): Uncertain significance (1 of 4 stars; one submission).

Conditions:
Hereditary cancer-predisposing syndrome. Also called: Neoplastic Syndromes, Hereditary; Tumor predisposition; Hereditary Cancer Syndrome; Hereditary neoplastic syndrome. Identifiers: Orphanet 140162, MedGen C0027672, MeSH D009386, MONDO:0015356.

Submission:

Ambry Genetics
Classification: Uncertain significance for Hereditary cancer-predisposing syndrome. Last evaluated: 2020-07-22. Review status: criteria provided, single submitter. Criteria: Ambry Variant Classification Scheme 2023. Collection method: clinical testing. Allele origin: germline.
Comment: The p.E1144K variant (also known as c.3430G>A), located in coding exon 20 of the DICER1 gene, results from a G to A substitution at nucleotide position 3430. The glutamic acid at codon 1144 is replaced by lysine, an amino acid with similar properties. This amino acid position is well conserved in available vertebrate species. In addition, the in silico prediction for this alteration is inconclusive. Since supporting evidence is limited at this time, the clinical significance of this alteration remains unclear.